The following is an entry in ClinVar:

ClinVar aggregate classification (germline): Uncertain significance (1 of 4 stars; one submission).

Conditions:
Orofaciodigital syndrome V. Also called: OFDS V; ORAL-FACIAL-DIGITAL SYNDROME, TYPE V; OROFACIODIGITAL SYNDROME, THURSTON TYPE; THURSTON SYNDROME. Identifiers: Orphanet 2919, MedGen C1868118, MONDO:0008267, OMIM 174300.

gnomAD v4.1: 1 of 1,614,080 alleles (0.000062%); highest among the groups gnomAD compares: East Asian, 0.0022%; no homozygotes.

Submission:

Juno Genomics, Hangzhou Juno Genomics, Inc
Classification: Uncertain significance for Orofaciodigital syndrome V. Review status: criteria provided, single submitter. Criteria: ACMG Guidelines, 2015. Collection method: clinical testing. Allele origin: germline.
Comment: Absent from controls (or at extremely low frequency if recessive) in Genome Aggregation Database.;Multiple lines of computational evidence support a deleterious effect on the gene or gene product.

NM_001031725.6(DDX59):c.745A>G (p.Thr249Ala)

Gene: DDX59 (DEAD-box helicase 59; minus strand). Cytogenetic location: 1q32.1.
Variant type: single nucleotide variant.
Coding change: c.745A>G on transcript NM_001031725.6 (MANE Select); coding-DNA position 745, A replaced by G.
Protein change: p.Thr249Ala; replaces threonine 249 with alanine.
Molecular consequence: missense variant.
Genome position (GRCh38, 1-based): chr1:200,665,996, T>C on the plus strand (A>G on the coding strand, the complement: DDX59 is on the minus strand). VCF-style: chr1-200665996-T-C. GRCh37 (hg19) VCF-style: chr1-200635124-T-C.
Other names: c.745A>G, p.Thr249Ala (NM_001320181.2, NM_001320182.1, NM_001349799.3 and 5 more transcripts); short protein forms T249A.
Identifiers: ClinVar variation 5018659 (VCV005018659.2).